The following is an entry in ClinVar:

NM_002485.5(NBN):c.1937A>T (p.Asp646Val)

Gene: NBN (nibrin; minus strand). Cytogenetic location: 8q21.3.
Variant type: single nucleotide variant.
Coding change: c.1937A>T on transcript NM_002485.5 (MANE Select); coding-DNA position 1937, A replaced by T.
Protein change: p.Asp646Val; replaces aspartic acid 646 with valine.
Molecular consequence: missense variant.
Genome position (GRCh38, 1-based): chr8:89,946,273, T>A on the plus strand (A>T on the coding strand, the complement: NBN is on the minus strand). VCF-style: chr8-89946273-T-A. GRCh37 (hg19) VCF-style: chr8-90958501-T-A.
Other names: c.1691A>T, p.Asp564Val (NM_001024688.3); short protein forms D646V, D564V.
Identifiers: ClinVar variation 1782979 (VCV001782979.2), dbSNP rs2129649005, ClinGen allele CA371676745.

ClinVar aggregate classification (germline): Uncertain significance (1 of 4 stars; one submission).

Conditions:
Hereditary cancer-predisposing syndrome. Also called: Neoplastic Syndromes, Hereditary; Tumor predisposition; Hereditary Cancer Syndrome; Hereditary neoplastic syndrome. Identifiers: Orphanet 140162, MedGen C0027672, MeSH D009386, MONDO:0015356.

Submission:

Ambry Genetics
Classification: Uncertain significance for Hereditary cancer-predisposing syndrome. Last evaluated: 2022-05-29. Review status: criteria provided, single submitter. Criteria: Ambry Variant Classification Scheme 2023. Collection method: clinical testing. Allele origin: germline.
Comment: The p.D646V variant (also known as c.1937A>T), located in coding exon 13 of the NBN gene, results from an A to T substitution at nucleotide position 1937. The aspartic acid at codon 646 is replaced by valine, an amino acid with highly dissimilar properties. This amino acid position is conserved. In addition, this alteration is predicted to be tolerated by in silico analysis. Since supporting evidence is limited at this time, the clinical significance of this alteration remains unclear.